The following is an entry in ClinVar:

NM_014946.4(SPAST):c.1324G>A (p.Glu442Lys)

Gene: SPAST (spastin; plus strand). Cytogenetic location: 2p22.3.
Variant type: single nucleotide variant.
Coding change: c.1324G>A on transcript NM_014946.4 (MANE Select); coding-DNA position 1324, G replaced by A.
Protein change: p.Glu442Lys; replaces glutamic acid 442 with lysine.
Molecular consequence: missense variant.
Genome position (GRCh38, 1-based): chr2:32,136,879, G>A. VCF-style: chr2-32136879-G-A. GRCh37 (hg19) VCF-style: chr2-32361948-G-A.
Other names: c.1225G>A, p.Glu409Lys (NM_001363875.2); c.1228G>A, p.Glu410Lys (NM_001377959.1, NM_199436.2); c.1321G>A, p.Glu441Lys (NM_001363823.2); short protein forms E409K, E410K, E441K, E442K.
Identifiers: ClinVar variation 1010882 (VCV001010882.8), dbSNP rs1553318214, ClinGen allele CA346502163.

ClinVar aggregate classification (germline): Likely pathogenic (1 of 4 stars; one submission).

Conditions:
Hereditary spastic paraplegia 4. Also called: Spastic paraplegia 4, autosomal dominant; Spastic Paraplegia 4; Familial spastic paraplegia autosomal dominant 2. Identifiers: Orphanet 100985, MedGen C1866855, MONDO:0008438, OMIM 182601.

Submission:

Labcorp Genetics (formerly Invitae), Labcorp
Classification: Likely pathogenic for Hereditary spastic paraplegia 4. Last evaluated: 2021-04-01. Review status: criteria provided, single submitter. Criteria: Invitae Variant Classification Sherloc (09022015). Collection method: clinical testing. Allele origin: germline.
Comment: This variant disrupts the p.Glu442 amino acid residue in SPAST. Other variant(s) that disrupt this residue have been observed in individuals with SPAST-related conditions (PMID: 16832076, 31157359, Invitae), which suggests that this may be a clinically significant amino acid residue. Algorithms developed to predict the effect of missense changes on protein structure and function (SIFT, PolyPhen-2, Align-GVGD) all suggest that this variant is likely to be disruptive, but these predictions have not been confirmed by published functional studies and their clinical significance is uncertain. This variant has been observed in individual(s) with hereditary spastic paraplegia (PMID: 17957230, Invitae). ClinVar contains an entry for this variant (Variation ID: 1010882). This variant is not present in population databases (ExAC no frequency). This sequence change replaces glutamic acid with lysine at codon 442 of the SPAST protein (p.Glu442Lys). The glutamic acid residue is highly conserved and there is a small physicochemical difference between glutamic acid and lysine. In summary, the currently available evidence indicates that the variant is pathogenic, but additional data are needed to prove that conclusively. Therefore, this variant has been classified as Likely Pathogenic.

Literature cited by the submitters: PubMed 16832076; PubMed 31157359; PubMed 17957230.